The following is an entry in ClinVar:

ClinVar aggregate classification (germline): Likely pathogenic (1 of 4 stars; one submission).

Submission:

Quest Diagnostics Nichols Institute San Juan Capistrano
Classification: Likely pathogenic. Last evaluated: 2024-10-11. Review status: criteria provided, single submitter. Criteria: Quest Diagnostics criteria. Collection method: clinical testing. Allele origin: unknown.
Comment: The BRCA2 c.5677dup (p.Cys1893Leufs*7) variant alters the translational reading frame of the BRCA2 mRNA and is predicted to cause the premature termination of BRCA2 protein synthesis. This variant has not been reported in individuals with BRCA2-related conditions in the published literature. This variant has not been reported in large, multi-ethnic general populations (Genome Aggregation Database). Based on the available information, this variant is classified as likely pathogenic.

NM_000059.4(BRCA2):c.5677dup (p.Cys1893fs)

Gene: BRCA2 (BRCA2 DNA repair associated; plus strand). Cytogenetic location: 13q13.1.
Variant type: Duplication.
Coding change: c.5677dup on transcript NM_000059.4 (MANE Select); coding-DNA position 5677, one base duplicated (T; older notation c.5677dupT).
Protein change: p.Cys1893fs; shifts the reading frame from cysteine 1893.
Molecular consequence: frameshift variant. On other transcripts: non-coding transcript variant (1), intron variant (2).
Genome position (GRCh38, 1-based): chr13:32,340,032, T duplicated; the last of 2 consecutive T bases (chr13:32,340,031-32,340,032); duplicating either gives the same sequence. VCF-style (leftmost placement, unchanged base first): chr13-32340030-G-GT. GRCh37 (hg19) VCF-style: chr13-32914167-G-GT.
Other names: c.5677dup, p.Cys1893fs (NM_001406719.1, NM_001406720.1, NM_001432077.1); c.1910-4526dup (NM_001406721.1); c.425-4526dup (NM_001406722.1); short protein forms C1893fs.
Identifiers: ClinVar variation 3572359 (VCV003572359.1).
Genomic context (GRCh38, chr13:32,340,030, plus strand): 5'-AAGTAATTAAGGAAAACAACGAGAATAAATCAAAAATTTGCCAAACGAAAATTATGGCAG[G>GT]TTGTTACGAGGCATTGGATGATTCAGAGGATATTCTTCATAACTCTCTAGATAATGATGA-3'